The following is an entry in ClinVar:

NM_001297.5(CNGB1):c.46C>G (p.Pro16Ala)

Gene: CNGB1 (cyclic nucleotide gated channel subunit beta 1; minus strand). Cytogenetic location: 16q21.
Variant type: single nucleotide variant.
Coding change: c.46C>G on transcript NM_001297.5 (MANE Select); coding-DNA position 46, C replaced by G.
Protein change: p.Pro16Ala; replaces proline 16 with alanine.
Molecular consequence: missense variant.
Genome position (GRCh38, 1-based): chr16:57,967,241, G>C on the plus strand (C>G on the coding strand, the complement: CNGB1 is on the minus strand). VCF-style: chr16-57967241-G-C. GRCh37 (hg19) VCF-style: chr16-58001145-G-C.
Other names: c.46C>G, p.Pro16Ala (NM_001135639.2, NM_001286130.2); short protein forms P16A.
Identifiers: ClinVar variation 998892 (VCV000998892.8), dbSNP rs767982458, ClinGen allele CA8084013.

ClinVar aggregate classification (germline): Uncertain significance. Review status: criteria provided, multiple submitters, no conflicts (2 of 4 stars). 3 submissions from 3 submitters: Uncertain significance (3). Last evaluated 2024-03-06.

Conditions:
Retinal dystrophy. Also called: Inherited retinal dystrophy. Identifiers: Orphanet 71862, MedGen C0854723, MeSH D058499, MONDO:0019118, HP:0000556.

Allele frequency attached by ClinVar (database versions not stated): ExAC 0.00002; gnomAD 0.00002 and 0.00003; gnomAD exomes 0.00002 and 0.00004; TOPMed 0.00002.
gnomAD v4.1: 59 of 1,614,106 alleles (0.0037%); highest among the groups gnomAD compares: East Asian, 0.029%; no homozygotes.

Submissions (3):

Blueprint Genetics
Classification: Uncertain significance. Last evaluated: 2024-03-06. Review status: criteria provided, single submitter. Criteria: ACMG Guidelines, 2015. Collection method: clinical testing. Allele origin: germline.

Dept Of Ophthalmology, Nagoya University
Classification: Uncertain significance for Retinal dystrophy. Last evaluated: 2023-10-01. Review status: criteria provided, single submitter. Criteria: Submitter's publication. Collection method: research. Allele origin: germline. Affected: yes.

Labcorp Genetics (formerly Invitae), Labcorp
Classification: Uncertain significance. Last evaluated: 2022-08-19. Review status: criteria provided, single submitter. Criteria: Invitae Variant Classification Sherloc (09022015). Collection method: clinical testing. Allele origin: germline.
Comment: In summary, the available evidence is currently insufficient to determine the role of this variant in disease. Therefore, it has been classified as a Variant of Uncertain Significance. Advanced modeling of protein sequence and biophysical properties (such as structural, functional, and spatial information, amino acid conservation, physicochemical variation, residue mobility, and thermodynamic stability) performed at Invitae indicates that this missense variant is not expected to disrupt CNGB1 protein function. ClinVar contains an entry for this variant (Variation ID: 998892). This variant has not been reported in the literature in individuals affected with CNGB1-related conditions. This variant is present in population databases (rs767982458, gnomAD 0.005%). This sequence change replaces proline, which is neutral and non-polar, with alanine, which is neutral and non-polar, at codon 16 of the CNGB1 protein (p.Pro16Ala).